The following is an entry in ClinVar:

ClinVar aggregate classification (germline): Likely benign. Review status: criteria provided, single submitter (1 of 4 stars). 2 submissions from 2 submitters: Likely benign (1). 1 of the submissions does not count toward it. Last evaluated 2025-12-13.

Conditions:
IL12RB2-related disorder. Also called: IL12RB2-related condition.

Allele frequency attached by ClinVar (database versions not stated): gnomAD 0.00001; gnomAD exomes 0.00004; TOPMed 0.00013; ExAC 0.00018.

Submissions (2):

Labcorp Genetics (formerly Invitae), Labcorp
Classification: Likely benign. Last evaluated: 2025-12-13. Review status: criteria provided, single submitter. Criteria: Invitae Variant Classification Sherloc (09022015). Collection method: clinical testing. Allele origin: germline.

PreventionGenetics, part of Exact Sciences
Classification: Likely benign for IL12RB2-related condition. Last evaluated: 2019-02-19. Review status: no assertion criteria provided. Collection method: clinical testing. Allele origin: germline. Not counted in ClinVar's aggregate classification.
Comment: This variant is classified as likely benign based on ACMG/AMP sequence variant interpretation guidelines (Richards et al. 2015 PMID: 25741868, with internal and published modifications).

NM_001374259.2(IL12RB2):c.1946+9G>C

Gene: IL12RB2 (interleukin 12 receptor subunit beta 2; plus strand). Cytogenetic location: 1p31.3.
Variant type: single nucleotide variant.
Coding change: c.1946+9G>C on transcript NM_001374259.2 (MANE Select); 9 bases into the intron after coding-DNA position 1946, G replaced by C.
Molecular consequence: intron variant.
Genome position (GRCh38, 1-based): chr1:67,386,678, G>C. VCF-style: chr1-67386678-G-C. GRCh37 (hg19) VCF-style: chr1-67852361-G-C.
Other names: c.1946+9G>C (NM_001559.2, NM_001258214.1, NM_001319233.1 and 1 more transcripts); c.1855+6555G>C (NM_001258216.1); c.1688+9G>C (NM_001258215.1).
Identifiers: ClinVar variation 2084150 (VCV002084150.6), dbSNP rs752089329, ClinGen allele CA900609.